The following is an entry in ClinVar:

NM_004667.6(HERC2):c.14087del (p.Pro4696fs)

Gene: HERC2 (HECT and RLD domain containing E3 ubiquitin protein ligase 2; minus strand). Cytogenetic location: 15q13.1.
Variant type: Deletion.
Coding change: c.14087del on transcript NM_004667.6 (MANE Select); coding-DNA position 14087, one base deleted (C; older notation c.14087delC).
Protein change: p.Pro4696fs; shifts the reading frame from proline 4696.
Molecular consequence: frameshift variant.
Genome position (GRCh38, 1-based): chr15:28,113,216, G deleted on the plus strand (C on the coding strand, the reverse complement: HERC2 is on the minus strand); the first of 2 consecutive G bases (chr15:28,113,216-28,113,217); deleting either gives the same sequence. VCF-style (leftmost placement, unchanged base first): chr15-28113215-AG-A. GRCh37 (hg19) VCF-style: chr15-28358361-AG-A.
Other names: short protein forms P4696fs.
Identifiers: ClinVar variation 4854979 (VCV004854979.1).

ClinVar aggregate classification (germline): Likely pathogenic (1 of 4 stars; one submission).

Conditions:
Developmental delay with autism spectrum disorder and gait instability (MRT38). Also called: Intellectual developmental disorder, autosomal recessive 38. Identifiers: Orphanet 329195, MedGen C3809753, MONDO:0014224, OMIM 615516.

Submission:

3billion
Classification: Likely pathogenic for Developmental delay with autism spectrum disorder and gait instability. Last evaluated: 2025-10-29. Review status: criteria provided, single submitter. Criteria: ACMG Guidelines, 2015. Collection method: clinical testing. Allele origin: germline. Affected: yes.
Comment: The variant is not observed in the gnomAD v4.1.0 dataset. Predicted Consequence/Location: Frameshift: predicted to result in a loss or disruption of normal protein function through nonsense-mediated decay (NMD) or protein truncation. Multiple pathogenic variants are reported downstream of the variant. Therefore, this variant is classified as Likely pathogenic according to the recommendation of ACMG/AMP guideline.